The following is an entry in ClinVar:

ClinVar aggregate classification (germline): VUS-mid (0 of 4 stars; one submission).

Conditions:
Developmental and epileptic encephalopathy, 58. Also called: EPILEPTIC ENCEPHALOPATHY, EARLY INFANTILE, 58. Identifiers: MedGen C4693367, MONDO:0033367, OMIM 617830.

Submission:

Molecular Diagnostic Laboratory, Beijing Chigene Translational Medicine Research Center
Classification: VUS-mid for Developmental and epileptic encephalopathy, 58. Last evaluated: 2026-11-02. Review status: no assertion criteria provided. Collection method: clinical testing. Allele origin: germline. Affected: yes.
Comment: Annotation of GRCh37 chr9:87,573,810-88,161,810 with the Ensembl GRCh37 REST API showed that he deletion overlaps the distal 3′ end of NTRK2 (ENSG00000148053; transcript NM_006180, chr9:87,284,643-87,641,969; plus strand) by approximately 68 kb, about 19% of the transcript. This is predicted to remove the terminal exon encoding the carboxy-terminal portion of the receptor, including part of the intracellular tyrosine kinase domain region. Meanwhile, NTRK2 has no curated ClinGen dosage-sensitivity score.

Literature cited by the submitters: PubMed 39540377.

NC_000009.11:g.87573810_88161810del

Genes: AGTPBP1 (ATP/GTP binding carboxypeptidase 1; minus strand), NTRK2 (neurotrophic receptor tyrosine kinase 2; plus strand). Cytogenetic location: 9q21.33.
Variant type: Deletion.
Identifiers: ClinVar variation 5042060 (VCV005042060.1).